The following is an entry in ClinVar:

NM_004260.4(RECQL4):c.3115del (p.Ser1039fs)

Gene: RECQL4 (RecQ like helicase 4; minus strand). Cytogenetic location: 8q24.3.
Variant type: Deletion.
Coding change: c.3115del on transcript NM_004260.4 (MANE Select); coding-DNA position 3115, one base deleted (A; older notation c.3115delA).
Protein change: p.Ser1039fs; shifts the reading frame from serine 1039.
Molecular consequence: frameshift variant.
Genome position (GRCh38, 1-based): chr8:144,512,265, T deleted on the plus strand (A on the coding strand, the reverse complement: RECQL4 is on the minus strand). VCF-style (leftmost placement, unchanged base first): chr8-144512264-CT-C. GRCh37 (hg19) VCF-style: chr8-145737647-CT-C.
Other names: c.2821delA, p.Ser941Alafs (NM_001413017.1); c.2917delA, p.Ser973Alafs (NM_001413018.1); c.3190delA, p.Ser1064Alafs (NM_001413019.1); c.3019delA, p.Ser1007Alafs (NM_001413020.1); c.2044delA, p.Ser682Alafs (NM_001413021.1, NM_001413022.1, NM_001413024.1 and 4 more transcripts); c.2119delA, p.Ser707Alafs (NM_001413023.1); c.2986delA, p.Ser996Alafs (NM_001413025.1); c.1978delA, p.Ser660Alafs (NM_001413027.1, NM_001413030.1, NM_001413032.1); and 9 more; short protein forms S1039fs.
Identifiers: ClinVar variation 2094523 (VCV002094523.4), dbSNP rs2537980642, ClinGen allele CA2580078810.
Genomic context (GRCh38, chr8:144,512,264, plus strand): 5'-ACACGGCCATAGAGGAAGTCACATATCTGGTCCTTCTCCTCAGCGGTCAAGTCCCCCGGG[CT>C]GCGAAGGTGGAAGGCCAGCTCACTGAACTCCACAAGCACCCCTGTCCCACGCCGCACACC-3'

ClinVar aggregate classification (germline): Pathogenic (1 of 4 stars; one submission).

Conditions:
Baller-Gerold syndrome (BGS). Also called: CRANIOSYNOSTOSIS WITH RADIAL DEFECTS. Identifiers: Orphanet 1225, MedGen C0265308, MONDO:0009039, OMIM 218600.

Submission:

Labcorp Genetics (formerly Invitae), Labcorp
Classification: Pathogenic for Baller-Gerold syndrome. Last evaluated: 2022-02-08. Review status: criteria provided, single submitter. Criteria: Invitae Variant Classification Sherloc (09022015). Collection method: clinical testing. Allele origin: germline.
Comment: For these reasons, this variant has been classified as Pathogenic. This variant has not been reported in the literature in individuals affected with RECQL4-related conditions. This variant is not present in population databases (gnomAD no frequency). This sequence change creates a premature translational stop signal (p.Ser1039Alafs*5) in the RECQL4 gene. It is expected to result in an absent or disrupted protein product. Loss-of-function variants in RECQL4 are known to be pathogenic (PMID: 12734318, 12952869).

Literature cited by the submitters: PubMed 12734318; PubMed 12952869.